The following is an entry in ClinVar:

NM_005477.3(HCN4):c.341G>A (p.Gly114Glu)

Gene: HCN4 (hyperpolarization activated cyclic nucleotide gated potassium channel 4; minus strand). Cytogenetic location: 15q24.1.
Variant type: single nucleotide variant.
Coding change: c.341G>A on transcript NM_005477.3 (MANE Select); coding-DNA position 341, G replaced by A.
Protein change: p.Gly114Glu; replaces glycine 114 with glutamic acid.
Molecular consequence: missense variant.
Genome position (GRCh38, 1-based): chr15:73,367,930, C>T on the plus strand (G>A on the coding strand, the complement: HCN4 is on the minus strand). VCF-style: chr15-73367930-C-T. GRCh37 (hg19) VCF-style: chr15-73660271-C-T.
Other names: short protein forms G114E.
Identifiers: ClinVar variation 3719509 (VCV003719509.2).

ClinVar aggregate classification (germline): Uncertain significance (1 of 4 stars; one submission).

Conditions:
Brugada syndrome 8 (BRGDA8). Identifiers: Orphanet 130, MedGen C2751083, MONDO:0013148, OMIM 613123.

gnomAD v4.1: 2 of 1,368,306 alleles (0.00015%); highest among the groups gnomAD compares: South Asian, 0.0019%; no homozygotes.

Submission:

Labcorp Genetics (formerly Invitae), Labcorp
Classification: Uncertain significance for Brugada syndrome 8. Last evaluated: 2024-02-24. Review status: criteria provided, single submitter. Criteria: Invitae Variant Classification Sherloc (09022015). Collection method: clinical testing. Allele origin: germline.
Comment: This sequence change replaces glycine, which is neutral and non-polar, with glutamic acid, which is acidic and polar, at codon 114 of the HCN4 protein (p.Gly114Glu). The frequency data for this variant in the population databases is considered unreliable, as metrics indicate poor data quality at this position in the gnomAD database. This variant has not been reported in the literature in individuals affected with HCN4-related conditions. Advanced modeling of protein sequence and biophysical properties (such as structural, functional, and spatial information, amino acid conservation, physicochemical variation, residue mobility, and thermodynamic stability) performed at Invitae indicates that this missense variant is not expected to disrupt HCN4 protein function with a negative predictive value of 95%. In summary, the available evidence is currently insufficient to determine the role of this variant in disease. Therefore, it has been classified as a Variant of Uncertain Significance.